The following is an entry in ClinVar:

NM_032119.4(ADGRV1):c.14864A>G (p.Gln4955Arg)

Gene: ADGRV1 (adhesion G protein-coupled receptor V1; plus strand). Cytogenetic location: 5q14.3.
Variant type: single nucleotide variant.
Coding change: c.14864A>G on transcript NM_032119.4 (MANE Select); coding-DNA position 14864, A replaced by G.
Protein change: p.Gln4955Arg; replaces glutamine 4955 with arginine.
Molecular consequence: missense variant. On other transcripts: non-coding transcript variant (1).
Genome position (GRCh38, 1-based): chr5:90,807,629, A>G. VCF-style: chr5-90807629-A-G. GRCh37 (hg19) VCF-style: chr5-90103446-A-G.
Other names: c.14864A>G (NM_032119.3); short protein forms Q4955R.
Identifiers: ClinVar variation 1385495 (VCV001385495.5), dbSNP rs1407523233, ClinGen allele CA360406512.
Genomic context (GRCh38, chr5:90,807,629, plus strand): 5'-TACCCTACTTTGCTTTTTCATGTTTTCTTTCAGGGAGCCTTTCATTTTCCCACGGTGAAC[A>G]AAGGAAAGGAGTTTTCCTGTGGACGTTTCCTAGCCCTGGTTGGCCAGAGGCCTTTGTTCT-3'
Protein context (NP_115495.3, residues 4945-4965): LGSLSFSHGE[Gln4955Arg]RKGVFLWTFP

ClinVar aggregate classification (germline): Uncertain significance. Review status: criteria provided, multiple submitters, no conflicts (2 of 4 stars). 4 submissions from 4 submitters: Uncertain significance (3). 1 of the submissions does not count toward it. Last evaluated 2024-05-24.

Conditions:
Retinal dystrophy. Also called: Inherited retinal dystrophy. Identifiers: Orphanet 71862, MedGen C0854723, MeSH D058499, MONDO:0019118, HP:0000556.

Allele frequency attached by ClinVar (database versions not stated): gnomAD exomes below 0.00001 and 0.00001; gnomAD 0.00002 and 0.00003; TOPMed 0.00005.
gnomAD v4.1: 13 of 1,612,760 alleles (0.00081%); highest among the groups gnomAD compares: Non-Finnish European, 0.001%; no homozygotes.

Submissions (4):

GeneDx
Classification: Uncertain significance. Last evaluated: 2024-05-24. Review status: criteria provided, single submitter. Criteria: GeneDx Variant Classification Process June 2021. Collection method: clinical testing. Allele origin: germline. Affected: yes.
Comment: Not observed at significant frequency in large population cohorts (gnomAD); In silico analysis indicates that this missense variant does not alter protein structure/function; Has not been previously published as pathogenic or benign to our knowledge

Labcorp Genetics (formerly Invitae), Labcorp
Classification: Uncertain significance. Last evaluated: 2022-03-10. Review status: criteria provided, single submitter. Criteria: Invitae Variant Classification Sherloc (09022015). Collection method: clinical testing. Allele origin: germline.
Comment: This sequence change replaces glutamine, which is neutral and polar, with arginine, which is basic and polar, at codon 4955 of the ADGRV1 protein (p.Gln4955Arg). This variant is present in population databases (no rsID available, gnomAD 0.0009%). This variant has not been reported in the literature in individuals affected with ADGRV1-related conditions. Algorithms developed to predict the effect of missense changes on protein structure and function output the following: SIFT: "Tolerated"; PolyPhen-2: "Benign"; Align-GVGD: "Class C0". The arginine amino acid residue is found in multiple mammalian species, which suggests that this missense change does not adversely affect protein function. In summary, the available evidence is currently insufficient to determine the role of this variant in disease. Therefore, it has been classified as a Variant of Uncertain Significance.

Blueprint Genetics
Classification: Uncertain significance. Last evaluated: 2019-05-13. Review status: criteria provided, single submitter. Criteria: ACMG Guidelines, 2015. Collection method: clinical testing. Allele origin: germline.

Institute of Human Genetics, Univ. Regensburg, Univ. Regensburg
Classification: Uncertain significance for Retinal dystrophy. Last evaluated: 2023-01-01. Review status: no assertion criteria provided. Criteria: ACMG Guidelines, 2015. Collection method: clinical testing. Allele origin: germline. Affected: yes. Not counted in ClinVar's aggregate classification.